The following is an entry in ClinVar:

NC_000013.10:g.(?_102029051)_(103054028_?)del

Genes: FGF14 (fibroblast growth factor 14; minus strand), ITGBL1 (integrin subunit beta like 1; plus strand), NALCN (sodium leak channel, non-selective; minus strand). Cytogenetic location: 13q33.1.
Variant type: Deletion.
Identifiers: ClinVar variation 1070863 (VCV001070863.6).

ClinVar aggregate classification (germline): Pathogenic (1 of 4 stars; one submission).

Submission:

Labcorp Genetics (formerly Invitae), Labcorp
Classification: Pathogenic. Last evaluated: 2020-03-20. Review status: criteria provided, single submitter. Criteria: Invitae Variant Classification Sherloc (09022015). Collection method: clinical testing. Allele origin: germline.
Comment: A gross deletion of the genomic region encompassing the full coding sequence of the FGF14 gene has been identified. The boundaries of this event are unknown as the deletion extends beyond the assayed region for this gene and therefore may encompass additional genes. This variant has not been reported in the literature in individuals with FGF14-related conditions. For these reasons, this variant has been classified as Pathogenic. Loss-of-function variants in FGF14 are known to be pathogenic (PMID: 15470364, 25566820, 30017992).

Literature cited by the submitters: PubMed 15470364; PubMed 25566820; PubMed 30017992.